The following is an entry in ClinVar:

ClinVar aggregate classification (germline): Uncertain significance (1 of 4 stars; one submission).

Conditions:
Rubinstein-Taybi syndrome due to EP300 haploinsufficiency. Also called: EP300-Related Rubinstein-Taybi Syndrome; RUBINSTEIN-TAYBI SYNDROME 2. Identifiers: Orphanet 353284, Orphanet 783, MedGen C3150941, MONDO:0013364, OMIM 613684.

Submission:

Labcorp Genetics (formerly Invitae), Labcorp
Classification: Uncertain significance for Rubinstein-Taybi syndrome due to EP300 haploinsufficiency. Last evaluated: 2025-02-15. Review status: criteria provided, single submitter. Criteria: Invitae Variant Classification Sherloc (09022015). Collection method: clinical testing. Allele origin: germline.
Comment: This variant, c.6973_6975dup, results in the insertion of 1 amino acid(s) of the EP300 protein (p.Ser2326dup), but otherwise preserves the integrity of the reading frame. This variant is not present in population databases (gnomAD no frequency). This variant has not been reported in the literature in individuals affected with EP300-related conditions. ClinVar contains an entry for this variant (Variation ID: 2755804). In summary, the available evidence is currently insufficient to determine the role of this variant in disease. Therefore, it has been classified as a Variant of Uncertain Significance.

NM_001429.4(EP300):c.6973_6975dup (p.Ser2326_Pro2327insSer)

Gene: EP300 (EP300 lysine acetyltransferase; plus strand). Cytogenetic location: 22q13.2.
Variant type: Duplication.
Coding change: c.6973_6975dup on transcript NM_001429.4 (MANE Select); coding-DNA positions 6973 to 6975, 3 bases duplicated (TCC; older notation c.6973_6975dupTCC).
Protein change: p.Ser2326_Pro2327insSer.
Molecular consequence: inframe insertion.
Genome position (GRCh38, 1-based): chr22:41,178,684-41,178,686, TCC duplicated; duplicating any 3 consecutive bases within chr22:41,178,683-41,178,686 gives the same sequence; the c. name uses the placement nearest the transcript's 3' end. VCF-style (leftmost placement, unchanged base first): chr22-41178682-A-ACTC. GRCh37 (hg19) VCF-style: chr22-41574686-A-ACTC.
Other names: c.6895_6897dup, p.Ser2300_Pro2301insSer (NM_001362843.2).
Identifiers: ClinVar variation 2755804 (VCV002755804.3), dbSNP rs2517835831, ClinGen allele CA2697552783.